The following is an entry in ClinVar:

NM_000465.4(BARD1):c.1674A>G (p.Ser558=)

Gene: BARD1 (BRCA1 associated RING domain 1; minus strand). Cytogenetic location: 2q35.
Variant type: single nucleotide variant.
Coding change: c.1674A>G on transcript NM_000465.4 (MANE Select); coding-DNA position 1674, A replaced by G.
Protein change: p.Ser558=; no amino-acid change (serine 558 retained).
Molecular consequence: synonymous variant. On other transcripts: non-coding transcript variant (3), intron variant (1).
Genome position (GRCh38, 1-based): chr2:214,752,450, T>C on the plus strand (A>G on the coding strand, the complement: BARD1 is on the minus strand). VCF-style: chr2-214752450-T-C. GRCh37 (hg19) VCF-style: chr2-215617174-T-C.
Other names: c.1617A>G, p.Ser539= (NM_001282543.2); c.321A>G, p.Ser107= (NM_001282545.2); c.264A>G, p.Ser88= (NM_001282548.2); c.365-21942A>G (NM_001282549.2).
Identifiers: ClinVar variation 406795 (VCV000406795.20), dbSNP rs1060501313, ClinGen allele CA16610643.
Genomic context (GRCh38, chr2:214,752,450, plus strand): 5'-TTTCATAACCAATTTTAATAAAATATATAAATGTCCCAAAGCTAAATCCATACTTACTAC[T>C]GAGCAGTGGCTAGCTGAGGATGATTCATTCTTCTCTGGTAGCAGCAATAGCGATTTCATA-3'
Protein context (NP_000456.2, residues 548-568): KNESSSASHC[Ser558=]VMNTGQRRDG

ClinVar aggregate classification (germline): Benign/Likely benign. Review status: criteria provided, multiple submitters, no conflicts (2 of 4 stars). 5 submissions from 5 submitters: Benign (1); Likely benign (4). Last evaluated 2026-01-25.

Conditions:
BARD1-related cancer predisposition. Identifiers: MedGen CN377756, MONDO:0700267.
Hereditary cancer-predisposing syndrome. Also called: Hereditary Cancer Syndrome; Hereditary neoplastic syndrome; Neoplastic Syndromes, Hereditary; Tumor predisposition. Identifiers: Orphanet 140162, MedGen C0027672, MeSH D009386, MONDO:0015356.
Familial cancer of breast. Also called: BREAST CANCER, FAMILIAL; Hereditary breast cancer; hereditary breast carcinoma. Identifiers: Orphanet 227535, MedGen C0346153, MONDO:0016419, OMIM 114480. Disease mechanism: loss of function.

Allele frequency attached by ClinVar (database versions not stated): gnomAD exomes below 0.00001; gnomAD 0.00001.
gnomAD v4.1: 2 of 1,605,810 alleles (0.00012%); highest among the groups gnomAD compares: African/African-American, 0.0027%; no homozygotes.

Submissions (5):

Labcorp Genetics (formerly Invitae), Labcorp
Classification: Likely benign for Familial cancer of breast. Last evaluated: 2026-01-25. Review status: criteria provided, single submitter. Criteria: Invitae Variant Classification Sherloc (09022015). Collection method: clinical testing. Allele origin: germline.

Myriad Genetics, Inc.
Classification: Benign for Familial cancer of breast. Last evaluated: 2024-07-26. Review status: criteria provided, single submitter. Criteria: Myriad Autosomal Dominant, Autosomal Recessive and X-Linked Classification Criteria (2023). Collection method: clinical testing. Allele origin: unknown.
Comment: This variant is considered benign. This variant is a silent/synonymous amino acid change and it is not expected to impact splicing.

Color Diagnostics, LLC DBA Color Health
Classification: Likely benign for Hereditary cancer-predisposing syndrome. Last evaluated: 2022-12-05. Review status: criteria provided, single submitter. Criteria: ACMG Guidelines, 2015. Collection method: clinical testing. Allele origin: germline.

Department of Pathology and Laboratory Medicine, Sinai Health System
Classification: Likely benign for BARD1-related cancer predisposition. Last evaluated: 2022-08-03. Review status: criteria provided, single submitter. Criteria: ACMG Guidelines, 2015. Collection method: clinical testing. Allele origin: germline. Affected: no.

Ambry Genetics
Classification: Likely benign for Hereditary cancer-predisposing syndrome. Last evaluated: 2019-04-10. Review status: criteria provided, single submitter. Criteria: Ambry Variant Classification Scheme 2023. Collection method: clinical testing. Allele origin: germline.